The following is an entry in ClinVar:

ClinVar aggregate classification (germline): Uncertain significance (1 of 4 stars; one submission).

Conditions:
Perlman syndrome (PRLMNS). Identifiers: Orphanet 2849, MedGen C0796113, MONDO:0009965, OMIM 267000.

Allele frequency attached by ClinVar (database versions not stated): gnomAD exomes below 0.00001; ExAC 0.00001.
gnomAD v4.1: 1 of 1,614,222 alleles (0.000062%); highest among the groups gnomAD compares: Middle Eastern, 0.017%; no homozygotes.

Submission:

Labcorp Genetics (formerly Invitae), Labcorp
Classification: Uncertain significance for Perlman syndrome. Last evaluated: 2024-09-29. Review status: criteria provided, single submitter. Criteria: Invitae Variant Classification Sherloc (09022015). Collection method: clinical testing. Allele origin: germline.
Comment: This sequence change replaces serine, which is neutral and polar, with proline, which is neutral and non-polar, at codon 488 of the DIS3L2 protein (p.Ser488Pro). This variant is present in population databases (rs756760865, gnomAD 0.0009%). This variant has not been reported in the literature in individuals affected with DIS3L2-related conditions. ClinVar contains an entry for this variant (Variation ID: 845239). Invitae Evidence Modeling of protein sequence and biophysical properties (such as structural, functional, and spatial information, amino acid conservation, physicochemical variation, residue mobility, and thermodynamic stability) indicates that this missense variant is not expected to disrupt DIS3L2 protein function with a negative predictive value of 80%. In summary, the available evidence is currently insufficient to determine the role of this variant in disease. Therefore, it has been classified as a Variant of Uncertain Significance.

NM_152383.5(DIS3L2):c.1462T>C (p.Ser488Pro)

Gene: DIS3L2 (DIS3 like 3'-5' exoribonuclease 2; plus strand). Cytogenetic location: 2q37.1.
Variant type: single nucleotide variant.
Coding change: c.1462T>C on transcript NM_152383.5 (MANE Select); coding-DNA position 1462, T replaced by C.
Protein change: p.Ser488Pro; replaces serine 488 with proline.
Molecular consequence: missense variant. On other transcripts: non-coding transcript variant (2).
Genome position (GRCh38, 1-based): chr2:232,263,243, T>C. VCF-style: chr2-232263243-T-C. GRCh37 (hg19) VCF-style: chr2-233127953-T-C.
Other names: c.1462T>C, p.Ser488Pro (NM_001257281.2); short protein forms S488P.
Identifiers: ClinVar variation 845239 (VCV000845239.9), dbSNP rs756760865, ClinGen allele CA2164165.